The following is an entry in ClinVar:

NM_000360.4(TH):c.983G>T (p.Cys328Phe)

Gene: TH (tyrosine hydroxylase; minus strand). Cytogenetic location: 11p15.5.
Variant type: single nucleotide variant.
Coding change: c.983G>T on transcript NM_000360.4 (MANE Select); coding-DNA position 983, G replaced by T.
Protein change: p.Cys328Phe; replaces cysteine 328 with phenylalanine.
Molecular consequence: missense variant.
Genome position (GRCh38, 1-based): chr11:2,166,544, C>A on the plus strand (G>T on the coding strand, the complement: TH is on the minus strand). VCF-style: chr11-2166544-C-A. GRCh37 (hg19) VCF-style: chr11-2187774-C-A.
Other names: c.1076G>T, p.Cys359Phe (NM_199292.3); c.1064G>T, p.Cys355Phe (NM_199293.3); short protein forms C359F, C328F, C355F.
Identifiers: ClinVar variation 12334 (VCV000012334.5), dbSNP rs121917765, ClinGen allele CA278134.

ClinVar aggregate classification (germline): Likely pathogenic. Review status: criteria provided, multiple submitters, no conflicts (2 of 4 stars). 3 submissions from 3 submitters: Likely pathogenic (2). 1 of the submissions does not count toward it. Last evaluated 2026-03-13.

Conditions:
TH-deficient dopa-responsive dystonia. Also called: Tyrosine Hydroxylase-Deficient Dopa-Responsive Dystonia; DYT-TH; Segawa syndrome, autosomal recessive. Identifiers: Orphanet 101150, MedGen C2673535, MONDO:0011551, OMIM 605407.

gnomAD v4.1: 1 of 1,601,956 alleles (0.000062%); no homozygotes.

Submissions (3):

Women's Health and Genetics/Laboratory Corporation of America, LabCorp
Classification: Likely pathogenic for TH-deficient dopa-responsive dystonia. Last evaluated: 2026-03-13. Review status: criteria provided, single submitter. Criteria: LabCorp Variant Classification Summary - May 2015. Collection method: clinical testing. Allele origin: germline.
Comment: Variant summary: TH c.1076G>T (p.Cys359Phe) results in a non-conservative amino acid change located in the Aromatic amino acid hydroxylase, C-terminal domain (IPR019774) of the encoded protein sequence. Five of five in-silico tools predict a damaging effect of the variant on protein function. The variant was absent in 217992 control chromosomes. c.1076G>T has been reported in the literature as a homozygous genotype in at-least one individual affected with Tyrosine Hydroxylase Deficiency and continues to be reported/cited by others (example, Brautigam_1999, Dionisi-Vici_2000, Hoffmann_2003, Dong_2020). These data indicate that the variant may be associated with disease. At least one publication reports experimental evidence evaluating an impact on protein function (Fossbakk_2014). The most pronounced variant effect results in severely reduced activity compared with wt TH ( 10%), and significantly altered affinities for both tyrosine and the cofactor BH4. Interestingly, this mutation led to a higher selectivity for L-Tyrosine. The following publications have been ascertained in the context of this evaluation (PMID: 10585338, 10753262, 32872068, 24753243, 12891655). ClinVar contains an entry for this variant (Variation ID: 12334). Based on the evidence outlined above, the variant was classified as likely pathogenic.

Labcorp Genetics (formerly Invitae), Labcorp
Classification: Likely pathogenic for TH-deficient dopa-responsive dystonia. Last evaluated: 2025-09-02. Review status: criteria provided, single submitter. Criteria: Invitae Variant Classification Sherloc (09022015). Collection method: clinical testing. Allele origin: germline.
Comment: This sequence change replaces cysteine, which is neutral and slightly polar, with phenylalanine, which is neutral and non-polar, at codon 359 of the TH protein (p.Cys359Phe). This variant is not present in population databases (gnomAD no frequency). This missense change has been observed in individuals with clinical features of TH-related conditions (PMID: 10585338, 36054588). ClinVar contains an entry for this variant (Variation ID: 12334). Invitae Evidence Modeling of protein sequence and biophysical properties (such as structural, functional, and spatial information, amino acid conservation, physicochemical variation, residue mobility, and thermodynamic stability) indicates that this missense variant is expected to disrupt TH protein function with a positive predictive value of 95%. Experimental studies have shown that this missense change affects TH function (PMID: 24753243). In summary, the currently available evidence indicates that the variant is pathogenic, but additional data are needed to prove that conclusively. Therefore, this variant has been classified as Likely Pathogenic.

OMIM
Classification: Pathogenic for SEGAWA SYNDROME, AUTOSOMAL RECESSIVE. Last evaluated: 1999-12-01. Review status: no assertion criteria provided. Collection method: literature only. Allele origin: germline. Not counted in ClinVar's aggregate classification.

Literature cited by the submitters: PubMed 24753243 (cited by Women's Health and Genetics/Laboratory Corporation of America, LabCorp and Labcorp Genetics (formerly Invitae), Labcorp); PubMed 10585338 (cited by 3 submitters); PubMed 10753262 (cited by Women's Health and Genetics/Laboratory Corporation of America, LabCorp); PubMed 32872068 (cited by Women's Health and Genetics/Laboratory Corporation of America, LabCorp); PubMed 12891655 (cited by Women's Health and Genetics/Laboratory Corporation of America, LabCorp); PubMed 36054588 (cited by Labcorp Genetics (formerly Invitae), Labcorp).